The following is an entry in ClinVar:

ClinVar aggregate classification (germline): Conflicting classifications of pathogenicity. Review status: criteria provided, conflicting classifications (1 of 4 stars). 11 submissions from 11 submitters: Uncertain significance (9); Likely benign (1). 1 of the submissions does not count toward it. Last evaluated 2025-11-04.

Conditions:
Cardiovascular phenotype. Identifiers: MedGen CN230736.
Cardiac arrhythmia. Also called: Arrhythmia; Cardiac rhythm disease. Identifiers: MedGen C0003811, MONDO:0007263, HP:0011675.
Long QT syndrome (LQTS). Identifiers: MedGen C0023976, MeSH D008133, MONDO:0002442. Disease mechanism: loss of function. Inheritance: Various modes of inheritance.
Short QT syndrome type 1. Identifiers: Orphanet 51083, MedGen C1865020, MONDO:0012312, OMIM 609620.
Long QT syndrome 2 (LQT2). Identifiers: Orphanet 101016, Orphanet 768, MedGen C3150943, MONDO:0013367, OMIM 613688.

Allele frequency attached by ClinVar (database versions not stated): gnomAD 0.00002 and 0.00003; gnomAD exomes 0.00005 and 0.00009; TOPMed 0.00005; ExAC 0.00006; 1000 Genomes Project 30x 0.00031; 1000 Genomes Project 0.00040.
gnomAD v4.1: 81 of 1,614,120 alleles (0.005%); highest among the groups gnomAD compares: South Asian, 0.024%; no homozygotes.

Submissions 1 to 9 of 11:

Color Diagnostics, LLC DBA Color Health
Classification: Likely benign for Cardiac arrhythmia. Last evaluated: 2025-11-04. Review status: criteria provided, single submitter. Criteria: ACMG Guidelines, 2015. Collection method: clinical testing. Allele origin: germline.

Labcorp Genetics (formerly Invitae), Labcorp
Classification: Uncertain significance for Long QT syndrome. Last evaluated: 2024-12-10. Review status: criteria provided, single submitter. Criteria: Invitae Variant Classification Sherloc (09022015). Collection method: clinical testing. Allele origin: germline.
Comment: This sequence change replaces glycine, which is neutral and non-polar, with serine, which is neutral and polar, at codon 487 of the KCNH2 protein (p.Gly487Ser). This variant is present in population databases (rs562875924, gnomAD 0.07%), and has an allele count higher than expected for a pathogenic variant. This missense change has been observed in individual(s) with clinical features of KCNH2-related conditions (PMID: 28606196, 30327538). ClinVar contains an entry for this variant (Variation ID: 200342). An algorithm developed to predict the effect of missense changes on protein structure and function (PolyPhen-2) suggests that this variant¬†is likely to be tolerated. In summary, the available evidence is currently insufficient to determine the role of this variant in disease. Therefore, it has been classified as a Variant of Uncertain Significance.

All of Us Research Program, National Institutes of Health
Classification: Uncertain significance for Long QT syndrome. Last evaluated: 2024-08-29. Review status: criteria provided, single submitter. Criteria: ACMG Guidelines, 2015. Collection method: clinical testing. Allele origin: germline. Inheritance: Autosomal dominant inheritance. Observed: 23 variant alleles, 23 heterozygotes.
Comment: This missense variant replaces glycine with serine at codon 487 of the KCNH2 protein. Computational prediction tool is inconclusive regarding the impact of this variant on protein structure and function (internally defined REVEL score threshold 0.5 < inconclusive < 0.7, PMID: 27666373). To our knowledge, functional studies have not been performed for this variant. This variant has been reported in an individual affected with sudden unexpected death (PMID: 28704380). This variant has also been identified in 24/282842 chromosomes in the general population by the Genome Aggregation Database (gnomAD). The available evidence is insufficient to determine the role of this variant in disease conclusively. Therefore, this variant is classified as a Variant of Uncertain Significance.

This study involves interpretation of variants in research participants for the purpose of population health screening. Participant phenotype was not available at the time of variant classification. Additional details can be found in publication PMID: 35346344, PMCID: PMC8962531

Victorian Clinical Genetics Services, Murdoch Childrens Research Institute
Classification: Uncertain significance for Long QT syndrome 2. Last evaluated: 2023-07-17. Review status: criteria provided, single submitter. Criteria: ACMG Guidelines, 2015. Collection method: clinical testing. Allele origin: germline. Inheritance: Autosomal dominant inheritance. Affected: yes.
Comment: Based on the classification scheme VCGS_Germline_v1.3.4, this variant is classified as VUS-3C. Following criteria are met: 0103 - Dominant negative and loss of function are known mechanisms of disease in this gene and are associated with long QT syndrome 2 (LQTS; MIM#613688). Gain of function is also a known mechanism associated with short QT syndrome 1 (SQTS; MIM#609620) (OMIM, PMIDs: 10753933, 21777565). (I) 0107 - This gene is associated with autosomal dominant disease. (I) 0112 - The condition associated with this gene has incomplete penetrance (PMID: 20301308). (I) 0200 - Variant is predicted to result in a missense amino acid change from glycine to serine. (I) 0251 - This variant is heterozygous. (I) 0302 - Variant is present in gnomAD (v2 & v3) <0.001 for a dominant condition (26 heterozygotes, 0 homozygotes). (SP) 0502 - Missense variant with conflicting in silico predictions and uninformative conservation. (I) 0600 - Variant is located in the annotated ion transport domain (NCBI, DECIPHER). (I) 0710 - Other missense variants comparable to the one identified in this case have inconclusive previous evidence for pathogenicity. The p.(Gly487Ala) has been reported as VUS for arrhythmia (ClinVar). p.(Gly487Cys) was identified in an individual with epilepsy and regarded as VUS (PMID: 31696929). p.(Gly487Arg) has been reported in a family undergoing genetic screening for sudden death, however the authors concluded that it does not cause severe heart disease (PMIDs: 22764740, 25947924). (I) 0808 - Previous reports of pathogenicity for this variant are conflicting. It has been reported as both VUS and pathogenic, and in three individuals with LQTS or sudden death, as well as another sudden death individual who also has a variant in CACNB2 (VCGS, ClinVar, PMIDs: 26746457, 29192238, 30327538, 28606196, 2870438). (I) 0905 - No published segregation evidence has been identified for this variant. (I) 1004 - This variant has moderate functional evidence supporting normal protein function. Patch clamp analysis using transfected HEK293 cells showed p.(Gly487Ser), when co-expressed with wild type KCNH2, has a normal function of wildtype, with normal current density and channel deactivation ratio (PMID: 35688147, presented to AGHA MDT 29/7/22 by the AGHA Functional Genomics KCNH2 phenotyping group). (SB) 1208 - Inheritance information for this variant is not currently available in this individual. (I) Legend: (SP) - Supporting pathogenic, (I) - Information, (SB) - Supporting benign

Blueprint Genetics
Classification: Uncertain significance. Last evaluated: 2022-06-16. Review status: criteria provided, single submitter. Criteria: ACMG Guidelines, 2015. Collection method: clinical testing. Allele origin: germline.

Athena Diagnostics
Classification: Uncertain significance. Last evaluated: 2022-03-29. Review status: criteria provided, single submitter. Criteria: Athena Diagnostics Criteria. Collection method: clinical testing. Allele origin: unknown.

Ambry Genetics
Classification: Uncertain significance for Cardiovascular phenotype. Last evaluated: 2021-11-05. Review status: criteria provided, single submitter. Criteria: Ambry Variant Classification Scheme 2023. Collection method: clinical testing. Allele origin: germline.
Comment: The p.G487S variant (also known as c.1459G>A), located in coding exon 6 of the KCNH2 gene, results from a G to A substitution at nucleotide position 1459. The glycine at codon 487 is replaced by serine, an amino acid with similar properties. This variant has been reported in sudden unexplained death (SUD) cohorts and in one individual reported to have long QT syndrome type 2; however, clinical details were limited, and one SUD case harbored an additional cardiac variant (McLeod KA et al. Cardiol Young, 2017 Sep;27:1271-1279; Bates K et al. Genet Med, 2019 06;21:1452-1456; Suktitipat B et al. PLoS One, 2017 Jul;12:e0180056). This variant has also been reported in exome and electronic medical record review cohorts with limited cardiovascular history provided (Van Driest SL et al. JAMA, 2016 Jan;315:47-57; Yamaguchi-Kabata Y et al. J Hum Genet, 2018 Feb;63:213-230). This amino acid position is well conserved in available vertebrate species. In addition, the in silico prediction for this alteration is inconclusive. Since supporting evidence is limited at this time, the clinical significance of this alteration remains unclear.

Fulgent Genetics
Classification: Uncertain significance for Short QT syndrome type 1; Long QT syndrome 2. Last evaluated: 2021-09-08. Review status: criteria provided, single submitter. Criteria: ACMG Guidelines, 2015. Collection method: clinical testing. Allele origin: unknown.

Women's Health and Genetics/Laboratory Corporation of America, LabCorp
Classification: Uncertain significance. Last evaluated: 2020-10-19. Review status: criteria provided, single submitter. Criteria: LabCorp Variant Classification Summary - May 2015. Collection method: clinical testing. Allele origin: germline.
Comment: Variant summary: KCNH2 c.1459G>A (p.Gly487Ser) results in a non-conservative amino acid change located in the Ion transport domain (IPR005821) of the encoded protein sequence. Three of five in-silico tools predict a damaging effect of the variant on protein function. The variant allele was found at a frequency of 9.1e-05 in 251452 control chromosomes (gnomAD). This frequency is not significantly higher than expected for a pathogenic variant in KCNH2 causing Arrhythmia (9.1e-05 vs 0.0001), allowing no conclusion about variant significance. c.1459G>A has been reported in the literature in individuals affected with sudden unexpected death along with a frameshift mutation in CACNB2 (Suktitipat_2017) and Long QT Syndrome (McLeod_2017). These reports however, do not provide unequivocal conclusions about association of the variant with Arrhythmia. To our knowledge, no experimental evidence demonstrating an impact on protein function has been reported. Three other ClinVar submitters (evaluation after 2014) cite the variant as uncertain significance. Based on the evidence outlined above, the variant was classified as uncertain significance.

NM_000238.4(KCNH2):c.1459G>A (p.Gly487Ser)

Gene: KCNH2 (potassium voltage-gated channel subfamily H member 2; minus strand). Cytogenetic location: 7q36.1.
Variant type: single nucleotide variant.
Coding change: c.1459G>A on transcript NM_000238.4 (MANE Select); coding-DNA position 1459, G replaced by A.
Protein change: p.Gly487Ser; replaces glycine 487 with serine.
Molecular consequence: missense variant.
Genome position (GRCh38, 1-based): chr7:150,952,523, C>T on the plus strand (G>A on the coding strand, the complement: KCNH2 is on the minus strand). VCF-style: chr7-150952523-C-T. GRCh37 (hg19) VCF-style: chr7-150649611-C-T.
Other names: p.G487S:GGC>AGC; c.439G>A, p.Gly147Ser (NM_001204798.2, NM_172057.3); c.1171G>A, p.Gly391Ser (NM_001406753.1, NM_001406756.1); c.1282G>A, p.Gly428Ser (NM_001406755.1); c.1159G>A, p.Gly387Ser (NM_001406757.1); c.1459G>A, p.Gly487Ser (NM_172056.3); short protein forms G147S, G487S, G387S, G428S, G391S.
Identifiers: ClinVar variation 200342 (VCV000200342.27), dbSNP rs562875924, ClinGen allele CA004637.